The following is an entry in ClinVar:

ClinVar aggregate classification (germline): Uncertain significance (1 of 4 stars; one submission).

gnomAD v4.1: 1 of 152,222 alleles (0.00066%); highest among the groups gnomAD compares: African/African-American, 0.0024%; no homozygotes.

Submission:

Dasa
Classification: Uncertain significance. Last evaluated: 2025-11-13. Review status: criteria provided, single submitter. Criteria: DASA Assertion Criteria. Collection method: clinical testing. Allele origin: germline.
Comment: NM_001329964.2(TP63):c.1A>G (p.Met1?) is a start-loss variant predicted to alter the translation initiation codon and impair normal protein translation. This variant is rare in population databases. The currently available literature and clinical evidence are not sufficient to establish a definitive association between this variant and the reported condition. Therefore, this variant is classified as a variant of uncertain significance.

NM_001329964.2(TP63):c.1A>G (p.Met1Val)

Gene: TP63 (tumor protein p63; plus strand). Cytogenetic location: 3q28.
Variant type: single nucleotide variant.
Coding change: c.1A>G on transcript NM_001329964.2; coding-DNA position 1, A replaced by G.
Protein change: p.Met1Val; changes the start codon (methionine 1).
Molecular consequence: missense variant, initiator codon variant.
Genome position (GRCh38, 1-based): chr3:189,597,183, A>G. VCF-style: chr3-189597183-A-G. GRCh37 (hg19) VCF-style: chr3-189314972-A-G.
Other names: short protein forms M1V.
Identifiers: ClinVar variation 4882208 (VCV004882208.2).